The following is an entry in ClinVar:

ClinVar aggregate classification (germline): Uncertain significance (1 of 4 stars; one submission).

Conditions:
Inborn genetic diseases. Identifiers: MedGen C0950123, MeSH D030342.

gnomAD v4.1: 2 of 1,614,050 alleles (0.00012%); highest among the groups gnomAD compares: African/African-American, 0.0027%; no homozygotes.

Submission:

Ambry Genetics
Classification: Uncertain significance for Inborn genetic diseases. Last evaluated: 2024-09-02. Review status: criteria provided, single submitter. Criteria: Ambry Variant Classification Scheme 2023. Collection method: clinical testing. Allele origin: germline.
Comment: The p.G35R variant (also known as c.103G>C), located in coding exon 2 of the BUB1B gene, results from a G to C substitution at nucleotide position 103. The glycine at codon 35 is replaced by arginine, an amino acid with dissimilar properties. This amino acid position is conserved. In addition, this alteration is predicted to be deleterious by in silico analysis. Based on the available evidence, the clinical significance of this variant remains unclear.

NM_001211.6(BUB1B):c.103G>C (p.Gly35Arg)

Gene: BUB1B (BUB1 mitotic checkpoint serine/threonine kinase B; plus strand). Cytogenetic location: 15q15.1.
Variant type: single nucleotide variant.
Coding change: c.103G>C on transcript NM_001211.6 (MANE Select); coding-DNA position 103, G replaced by C.
Protein change: p.Gly35Arg; replaces glycine 35 with arginine.
Molecular consequence: missense variant.
Genome position (GRCh38, 1-based): chr15:40,165,120, G>C. VCF-style: chr15-40165120-G-C. GRCh37 (hg19) VCF-style: chr15-40457321-G-C.
Other names: short protein forms G35R.
Identifiers: ClinVar variation 3483126 (VCV003483126.1).